The following is an entry in ClinVar:

NM_001377275.1(PER3):c.1998dup (p.Met667fs)

Gene: PER3 (period circadian regulator 3; plus strand). Cytogenetic location: 1p36.23.
Variant type: Duplication.
Coding change: c.1998dup on transcript NM_001377275.1 (MANE Select); coding-DNA position 1998, one base duplicated (C; older notation c.1998dupC).
Protein change: p.Met667fs; shifts the reading frame from methionine 667.
Molecular consequence: frameshift variant.
Genome position (GRCh38, 1-based): chr1:7,826,520, C duplicated. VCF-style (leftmost placement, unchanged base first): chr1-7826519-A-AC. GRCh37 (hg19) VCF-style: chr1-7886579-A-AC.
Other names: c.1998dup, p.Met667fs (NM_001289861.2, NM_001289862.2); c.1977dup, p.Met660fs (NM_001289863.3, NM_001377276.1); c.1041dup, p.Met348fs (NM_001289864.3); c.1974dup, p.Met659fs (NM_016831.4); short protein forms M348fs, M659fs, M660fs, M667fs.
Identifiers: ClinVar variation 1098359 (VCV001098359.2), dbSNP rs2151127625, ClinGen allele CA1139771922.
Genomic context (GRCh38, chr1:7,826,519, plus strand): 5'-ATATGTCTTCTTCCACCTCAGCCAGGGATGCTACCCTCTTCTGTGAGCCCTGGACCCTGA[A>AC]CATGCAGCCAGCCCCTTTGACCTCGGAAGAATTTAAACACGTGGGGCTCACAGCGGCTGT-3'

ClinVar aggregate classification (germline): Likely pathogenic (1 of 4 stars; one submission).

Submission:

Genetics Laboratory, UDIAT-Centre Diagnòstic, Hospital Universitari Parc Tauli
Classification: Likely pathogenic. Last evaluated: 2021-04-26. Review status: criteria provided, single submitter. Criteria: Parc Tauli Hospital Assertion Criteria 2021. Collection method: clinical testing. Allele origin: maternal. Inheritance: Autosomal dominant inheritance. Affected: yes. Observed: 1 heterozygote.
Comment: PVS1_very strong;PM2_supporting